The following is an entry in ClinVar:

ClinVar aggregate classification (germline): Pathogenic. Review status: criteria provided, multiple submitters, no conflicts (2 of 4 stars). 2 submissions from 2 submitters: Pathogenic (2). Last evaluated 2025-03-18.

Conditions:
Polycystic kidney disease 2 (PKD2). Also called: Polycystic Kidney Disease 2, Autosomal Dominant; POLYCYSTIC KIDNEY DISEASE, ADULT, TYPE II; POLYCYSTIC KIDNEY DISEASE 2 WITH OR WITHOUT POLYCYSTIC LIVER DISEASE. Identifiers: MedGen C2751306, MONDO:0013131, OMIM 613095.

Submissions (2):

Victorian Clinical Genetics Services, Murdoch Childrens Research Institute
Classification: Pathogenic for Polycystic kidney disease 2. Last evaluated: 2025-03-18. Review status: criteria provided, single submitter. Criteria: ACMG Guidelines, 2015. Collection method: clinical testing. Allele origin: germline. Affected: yes.
Comment: This variant is classified as Pathogenic. Evidence in support of pathogenic classification: Variant is predicted to cause nonsense-mediated decay (NMD) and loss of protein (premature termination codon is located at least 54 nucleotides upstream of the final exon-exon junction); Variant is absent from gnomAD (v2, v3 and v4); Other NMD-predicted variant(s) comparable to the one identified in this case have very strong previous evidence for pathogenicity (DECIPHER). Additional information: This variant is heterozygous; This gene is associated with autosomal dominant disease; Loss of function is a known mechanism of disease in this gene and is associated with polycystic kidney disease 2 (MIM#613095); Inheritance information for this variant is not currently available in this individual.

New York Genome Center
Classification: Pathogenic for Polycystic kidney disease 2. Last evaluated: 2023-07-31. Review status: criteria provided, single submitter. Criteria: NYGC Assertion Criteria 2020. Collection method: clinical testing. Allele origin: inherited. Observed: 1 variant allele, 1 heterozygote.
Comment: The inherited c.1412dup variant identified in the PKD2 gene has previously been reported in 3 affected individuals from two families [PMID:26150605]. The c.1412dup variant is absent from population databases (gnomAD v2.1.1 and v3.1.2, TOPMed Freeze 8, All of Us), suggesting it is not a common benign variant in the populations represented in those databases. The c.1412dup variant in PKD2 is located in exon 6 of this 15-exon gene, predicted to incorporate a premature termination codon [p.(Phe472LeufsTer6)], and is expected to result in loss-of-function via nonsense mediated decay. Multiple loss-of-function variants that are downstream to the c.1412dup variant have been reported in the literature [PMID: 32457805, 22863349]. Based on available evidence this inherited heterozygous c.1412dup, p.(Phe472LeufsTer6) variant identified in the PKD2 gene is classified as Pathogenic.

Literature cited by the submitters: PubMed 26150605 (cited by New York Genome Center).

NM_000297.4(PKD2):c.1412dup (p.Phe472fs)

Gene: PKD2 (polycystin 2, transient receptor potential cation channel; plus strand). Cytogenetic location: 4q22.1.
Variant type: Duplication.
Coding change: c.1412dup on transcript NM_000297.4 (MANE Select); coding-DNA position 1412, one base duplicated (T; older notation c.1412dupT).
Protein change: p.Phe472fs; shifts the reading frame from phenylalanine 472.
Molecular consequence: frameshift variant. On other transcripts: non-coding transcript variant (1).
Genome position (GRCh38, 1-based): chr4:88,046,734, T duplicated; the last of 3 consecutive T bases (chr4:88,046,732-88,046,734); duplicating any one gives the same sequence. VCF-style (leftmost placement, unchanged base first): chr4-88046731-A-AT. GRCh37 (hg19) VCF-style: chr4-88967883-A-AT.
Other names: c.1187dup, p.Phe397fs (NM_001440544.1); short protein forms F397fs, F472fs.
Identifiers: ClinVar variation 4531953 (VCV004531953.2).